The following is an entry in ClinVar:

ClinVar aggregate classification (germline): Pathogenic. Review status: criteria provided, multiple submitters, no conflicts (2 of 4 stars). 2 submissions from 2 submitters: Pathogenic (2). Last evaluated 2024-04-24.

Conditions:
Inborn genetic diseases. Identifiers: MedGen C0950123, MeSH D030342.
Multiple congenital exostosis (EXT). Also called: Multiple osteochondromas; MULTIPLE CARTILAGINOUS EXOSTOSES; Hereditary multiple exostoses; Hereditary multiple exostosis; Multiple exostoses; Hereditary multiple osteochondromas. Identifiers: Orphanet 321, MedGen C0015306, MONDO:0005508, HP:0002762.

Submissions (2):

Ambry Genetics
Classification: Pathogenic for Inborn genetic diseases. Last evaluated: 2024-04-24. Review status: criteria provided, single submitter. Criteria: Ambry Variant Classification Scheme 2023. Collection method: clinical testing. Allele origin: germline.
Comment: The c.203G>A (p.W68*) alteration, located in exon 1 (coding exon 1) of the EXT1 gene, consists of a G to A substitution at nucleotide position 203. This changes the amino acid from a tryptophan (W) to a stop codon at amino acid position 68. This alteration is expected to result in loss of function by premature protein truncation or nonsense-mediated mRNA decay. This variant was not reported in population-based cohorts in the Genome Aggregation Database (gnomAD). This variant was reported in an individual with personal and family history of multiple osteochondromas (Ren, 2022). Additionally, a different nucleotide change, resulting in the same protein change, c.204G>A (p.W68*) was detected in two individuals with multiple exostoses (Wuyts, 1998). Based on the available evidence, this alteration is classified as pathogenic.

Labcorp Genetics (formerly Invitae), Labcorp
Classification: Pathogenic for Multiple congenital exostosis. Last evaluated: 2022-02-28. Review status: criteria provided, single submitter. Criteria: Invitae Variant Classification Sherloc (09022015). Collection method: clinical testing. Allele origin: germline.
Comment: This variant has not been reported in the literature in individuals affected with EXT1-related conditions. This variant is not present in population databases (gnomAD no frequency). This sequence change creates a premature translational stop signal (p.Trp68*) in the EXT1 gene. It is expected to result in an absent or disrupted protein product. Loss-of-function variants in EXT1 are known to be pathogenic (PMID: 10679937, 11391482, 19810120). For these reasons, this variant has been classified as Pathogenic. Algorithms developed to predict the effect of sequence changes on RNA splicing suggest that this variant may create or strengthen a splice site. ClinVar contains an entry for this variant (Variation ID: 1076030).

Literature cited by the submitters: PubMed 9463333 (cited by Ambry Genetics); PubMed 36247276 (cited by Ambry Genetics); PubMed 10679937 (cited by Labcorp Genetics (formerly Invitae), Labcorp); PubMed 11391482 (cited by Labcorp Genetics (formerly Invitae), Labcorp); PubMed 19810120 (cited by Labcorp Genetics (formerly Invitae), Labcorp).

NM_000127.3(EXT1):c.203G>A (p.Trp68Ter)

Gene: EXT1 (exostosin glycosyltransferase 1; minus strand). Cytogenetic location: 8q24.11.
Variant type: single nucleotide variant.
Coding change: c.203G>A on transcript NM_000127.3 (MANE Select); coding-DNA position 203, G replaced by A.
Protein change: p.Trp68Ter; replaces tryptophan 68 with a stop codon.
Molecular consequence: nonsense.
Genome position (GRCh38, 1-based): chr8:118,110,844, C>T on the plus strand (G>A on the coding strand, the complement: EXT1 is on the minus strand). VCF-style: chr8-118110844-C-T. GRCh37 (hg19) VCF-style: chr8-119123083-C-T.
Other names: c.203G>A (NM_000127.2); short protein forms W68*.
Identifiers: ClinVar variation 1076030 (VCV001076030.8), dbSNP rs2130044984, ClinGen allele CA371916384.